The following is an entry in ClinVar:

NM_001352027.3(PHF21A):c.1611G>T (p.Met537Ile)

Gene: PHF21A (PHD finger protein 21A; minus strand). Cytogenetic location: 11p11.2.
Variant type: single nucleotide variant.
Coding change: c.1611G>T on transcript NM_001352027.3 (MANE Select); coding-DNA position 1611, G replaced by T.
Protein change: p.Met537Ile; replaces methionine 537 with isoleucine.
Molecular consequence: missense variant. On other transcripts: non-coding transcript variant (2).
Genome position (GRCh38, 1-based): chr11:45,936,567, C>A on the plus strand (G>T on the coding strand, the complement: PHF21A is on the minus strand). VCF-style: chr11-45936567-C-A. GRCh37 (hg19) VCF-style: chr11-45958118-C-A.
Other names: c.1608G>T, p.Met536Ile (NM_001101802.3); c.1611G>T, p.Met537Ile (NM_001352025.3, NM_001352026.3); c.1470G>T, p.Met490Ile (NM_001352028.1, NM_001352029.1, NM_016621.5); c.1467G>T, p.Met489Ile (NM_001352030.3, NM_001352031.3, NM_001352032.3); short protein forms M489I, M490I, M536I, M537I.
Identifiers: ClinVar variation 3731445 (VCV003731445.1).

ClinVar aggregate classification (germline): Uncertain significance (1 of 4 stars; one submission).

Conditions:
Intellectual developmental disorder with behavioral abnormalities and craniofacial dysmorphism with or without seizures. Identifiers: MedGen C5231476, MONDO:0032883, OMIM 618725.

gnomAD v4.1: 1 of 1,609,360 alleles (0.000062%); highest among the groups gnomAD compares: Non-Finnish European, 0.000085%; no homozygotes.

Submission:

Neuberg Centre For Genomic Medicine, NCGM
Classification: Uncertain significance for Intellectual developmental disorder with behavioral abnormalities and craniofacial dysmorphism with or without seizures. Last evaluated: 2023-06-22. Review status: criteria provided, single submitter. Criteria: ACMG Guidelines, 2015. Collection method: clinical testing. Allele origin: germline. Inheritance: Autosomal dominant inheritance. Affected: yes.
Comment: The missense c.1611G>T (p.Met537Ile) variant in PHF21A gene has not been reported previously as a pathogenic variant nor as a benign variant, to our knowledge. The p.Met537Ile variant is absent in gnomAD Exomes. This variant has not been submitted to the ClinVar database. Multiple lines of computational evidence (Polyphen - Benign, SIFT - Tolerated and MutationTaster - Disease causing) predict conflicting evidence on protein structure and function for this variant. The reference amino acid at this position in PHF21A is predicted as conserved by GERP++ and PhyloP across 100 vertebrates. The amino acid Met at position 537 is changed to a Ile changing protein sequence and it might alter its composition and physico-chemical properties. For these reasons, this variant has been classified as a Variant of Uncertain Significance (VUS).